The following is an entry in ClinVar:

NM_001561.6(TNFRSF9):c.649A>G (p.Arg217Gly)

Gene: TNFRSF9 (TNF receptor superfamily member 9; minus strand). Cytogenetic location: 1p36.23.
Variant type: single nucleotide variant.
Coding change: c.649A>G on transcript NM_001561.6 (MANE Select); coding-DNA position 649, A replaced by G.
Protein change: p.Arg217Gly; replaces arginine 217 with glycine.
Molecular consequence: missense variant.
Genome position (GRCh38, 1-based): chr1:7,933,192, T>C on the plus strand (A>G on the coding strand, the complement: TNFRSF9 is on the minus strand). VCF-style: chr1-7933192-T-C. GRCh37 (hg19) VCF-style: chr1-7993252-T-C.
Other names: short protein forms R217G.
Identifiers: ClinVar variation 1043279 (VCV001043279.7), dbSNP rs780812476, ClinGen allele CA569146.

ClinVar aggregate classification (germline): Uncertain significance (1 of 4 stars; one submission).

Allele frequency attached by ClinVar (database versions not stated): ExAC 0.00001; gnomAD 0.00001 and 0.00002; gnomAD exomes 0.00002 and 0.00009; TOPMed 0.00003.
gnomAD v4.1: 134 of 1,613,900 alleles (0.0083%); highest among the groups gnomAD compares: Non-Finnish European, 0.011%; no homozygotes.

Submission:

Labcorp Genetics (formerly Invitae), Labcorp
Classification: Uncertain significance. Last evaluated: 2025-11-03. Review status: criteria provided, single submitter. Criteria: Invitae Variant Classification Sherloc (09022015). Collection method: clinical testing. Allele origin: germline.
Comment: This sequence change replaces arginine, which is basic and polar, with glycine, which is neutral and non-polar, at codon 217 of the TNFRSF9 protein (p.Arg217Gly). This variant is present in population databases (rs780812476, gnomAD 0.004%). This variant has not been reported in the literature in individuals affected with TNFRSF9-related conditions. ClinVar contains an entry for this variant (Variation ID: 1043279). An algorithm developed to predict the effect of missense changes on protein structure and function (PolyPhen-2) suggests that this variant is likely to be tolerated. In summary, the available evidence is currently insufficient to determine the role of this variant in disease. Therefore, it has been classified as a Variant of Uncertain Significance.